The following is an entry in ClinVar:

Conditions:
Breast-ovarian cancer, familial, susceptibility to, 1 (BROVCA1). Also called: BRCA1 Hereditary Breast and Ovarian Cancer; OVARIAN CANCER, SUSCEPTIBILITY TO. Identifiers: Orphanet 145, MedGen C2676676, MONDO:0011450, OMIM 604370. Disease mechanism: loss of function.

Submission:

Brotman Baty Institute, University of Washington
No classification provided (evidence only). Condition: Breast-ovarian cancer, familial 1. Review status: no classification provided. Collection method: in vitro. Allele origin: not applicable. Functional consequence: functionally_normal.
ClinVar note: "not provided" was previously submitted as the classification for the variant. However, the classification appeared to be based only on an observation of functional data so it was converted to no classification on 2025-07-30.

NM_007294.4(BRCA1):c.4952C>G (p.Ser1651Cys)

Gene: BRCA1 (BRCA1 DNA repair associated; minus strand). Cytogenetic location: 17q21.31.
Variant type: single nucleotide variant.
Coding change: c.4952C>G on transcript NM_007294.4 (MANE Select); coding-DNA position 4952, C replaced by G.
Protein change: p.Ser1651Cys; replaces serine 1651 with cysteine.
Molecular consequence: missense variant. On other transcripts: non-coding transcript variant (1).
Genome position (GRCh38, 1-based): chr17:43,070,962, G>C on the plus strand (C>G on the coding strand, the complement: BRCA1 is on the minus strand). VCF-style: chr17-43070962-G-C. GRCh37 (hg19) VCF-style: chr17-41222979-G-C.
Other names: c.4739C>G, p.Ser1580Cys (NM_001407571.1, NM_001407906.1, NM_001407907.1 and 12 more transcripts); c.5018C>G, p.Ser1673Cys (NM_001407581.1, NM_001407582.1); c.5015C>G, p.Ser1672Cys (NM_001407583.1, NM_001407585.1, NM_001407587.1 and 1 more transcripts); c.5012C>G, p.Ser1671Cys (NM_001407590.1, NM_001407591.1); c.4952C>G, p.Ser1651Cys (NM_001407593.1, NM_001407684.1, NM_001407854.1 and 8 more transcripts); c.4949C>G, p.Ser1650Cys (NM_001407613.1, NM_001407614.1, NM_001407615.1 and 17 more transcripts); c.4946C>G, p.Ser1649Cys (NM_001407632.1, NM_001407633.1, NM_001407634.1 and 14 more transcripts); c.4874C>G, p.Ser1625Cys (NM_001407654.1, NM_001407655.1, NM_001407653.1); and 70 more; short protein forms S1651C, S1672C, S1604C, S547C, S1538C, S1561C, S1562C, S1584C.
Identifiers: ClinVar variation 865721 (VCV000865721.3), dbSNP rs80356938, ClinGen allele CA10591617.